The following is an entry in ClinVar:

NM_004727.3(SLC24A1):c.1073A>G (p.Lys358Arg)

Gene: SLC24A1 (solute carrier family 24 member 1; plus strand). Cytogenetic location: 15q22.31.
Variant type: single nucleotide variant.
Coding change: c.1073A>G on transcript NM_004727.3 (MANE Select); coding-DNA position 1073, A replaced by G.
Protein change: p.Lys358Arg; replaces lysine 358 with arginine.
Molecular consequence: missense variant.
Genome position (GRCh38, 1-based): chr15:65,625,153, A>G. VCF-style: chr15-65625153-A-G. GRCh37 (hg19) VCF-style: chr15-65917491-A-G.
Other names: c.1073A>G, p.Lys358Arg (NM_001301031.1, NM_001301032.1, NM_001301033.2); short protein forms K358R.
Identifiers: ClinVar variation 1005104 (VCV001005104.8), dbSNP rs765076828, ClinGen allele CA392916676.

ClinVar aggregate classification (germline): Uncertain significance (1 of 4 stars; one submission).

Allele frequency attached by ClinVar (database versions not stated): TOPMed 0.00001.
gnomAD v4.1: 7 of 1,613,708 alleles (0.00043%); highest among the groups gnomAD compares: African/African-American, 0.0013%; no homozygotes.

Submission:

Labcorp Genetics (formerly Invitae), Labcorp
Classification: Uncertain significance. Last evaluated: 2022-03-10. Review status: criteria provided, single submitter. Criteria: Invitae Variant Classification Sherloc (09022015). Collection method: clinical testing. Allele origin: germline.
Comment: In summary, the available evidence is currently insufficient to determine the role of this variant in disease. Therefore, it has been classified as a Variant of Uncertain Significance. Algorithms developed to predict the effect of missense changes on protein structure and function output the following: SIFT: "Tolerated"; PolyPhen-2: "Benign"; Align-GVGD: "Class C0". The arginine amino acid residue is found in multiple mammalian species, which suggests that this missense change does not adversely affect protein function. ClinVar contains an entry for this variant (Variation ID: 1005104). This variant has not been reported in the literature in individuals affected with SLC24A1-related conditions. This variant is not present in population databases (gnomAD no frequency). This sequence change replaces lysine, which is basic and polar, with arginine, which is basic and polar, at codon 358 of the SLC24A1 protein (p.Lys358Arg).